The following is an entry in ClinVar:

ClinVar aggregate classification (germline): Uncertain significance (1 of 4 stars; one submission).

Conditions:
Dilated cardiomyopathy 1DD (CMD1DD). Identifiers: Orphanet 154, MedGen C2750995, MONDO:0013168, OMIM 613172.

gnomAD v4.1: 1 of 1,552,032 alleles (0.000064%); highest among the groups gnomAD compares: East Asian, 0.0024%; no homozygotes.

Submission:

Labcorp Genetics (formerly Invitae), Labcorp
Classification: Uncertain significance for Dilated cardiomyopathy 1DD. Last evaluated: 2025-02-23. Review status: criteria provided, single submitter. Criteria: Invitae Variant Classification Sherloc (09022015). Collection method: clinical testing. Allele origin: germline.
Comment: This sequence change replaces lysine, which is basic and polar, with asparagine, which is neutral and polar, at codon 577 of the RBM20 protein (p.Lys577Asn). This variant is not present in population databases (gnomAD no frequency). This variant has not been reported in the literature in individuals affected with RBM20-related conditions. Invitae Evidence Modeling of protein sequence and biophysical properties (such as structural, functional, and spatial information, amino acid conservation, physicochemical variation, residue mobility, and thermodynamic stability) indicates that this missense variant is not expected to disrupt RBM20 protein function with a negative predictive value of 95%. In summary, the available evidence is currently insufficient to determine the role of this variant in disease. Therefore, it has been classified as a Variant of Uncertain Significance.

NM_001134363.3(RBM20):c.1731A>C (p.Lys577Asn)

Gene: RBM20 (RNA binding motif protein 20; plus strand). Cytogenetic location: 10q25.2.
Variant type: single nucleotide variant.
Coding change: c.1731A>C on transcript NM_001134363.3 (MANE Select); coding-DNA position 1731, A replaced by C.
Protein change: p.Lys577Asn; replaces lysine 577 with asparagine.
Molecular consequence: missense variant.
Genome position (GRCh38, 1-based): chr10:110,799,849, A>C. VCF-style: chr10-110799849-A-C. GRCh37 (hg19) VCF-style: chr10-112559607-A-C.
Other names: short protein forms K577N.
Identifiers: ClinVar variation 4737475 (VCV004737475.1).